The following is an entry in ClinVar:

NM_001164508.2(NEB):c.16653del (p.Asp5552fs)

Gene: NEB (nebulin; minus strand). Cytogenetic location: 2q23.3.
Variant type: Deletion.
Coding change: c.16653del on transcript NM_001164508.2 (MANE Select); coding-DNA position 16653, one base deleted (C; older notation c.16653delC).
Protein change: p.Asp5552fs; shifts the reading frame from aspartic acid 5552.
Molecular consequence: frameshift variant. On other transcripts: intron variant (1).
Genome position (GRCh38, 1-based): chr2:151,579,389, G deleted on the plus strand (C on the coding strand, the reverse complement: NEB is on the minus strand); the first of 3 consecutive G bases (chr2:151,579,389-151,579,391); deleting any one gives the same sequence. VCF-style (leftmost placement, unchanged base first): chr2-151579388-CG-C. GRCh37 (hg19) VCF-style: chr2-152435902-CG-C.
Other names: c.16653del, p.Asp5552fs (NM_001164507.2, NM_001271208.2); c.11602-3035del (NM_004543.5); short protein forms D5552fs.
Identifiers: ClinVar variation 3906179 (VCV003906179.1).

ClinVar aggregate classification (germline): Likely pathogenic (0 of 4 stars; one submission).

Conditions:
Arthrogryposis multiplex congenita 6. Identifiers: MedGen C5543431, MONDO:0030281, OMIM 619334.

Submission:

Department of Medical Genetics, Oslo University Hospital
Classification: Likely pathogenic for Arthrogryposis multiplex congenita 6. Last evaluated: 2025-06-01. Review status: no assertion criteria provided. Collection method: clinical testing. Allele origin: germline. Affected: yes. Observed: 2 variant alleles.
Comment: PVS1, PM2. Frameshift, loss of function (based on mRNA quantification). NM_001164508.2:c.16653del and NM_001164508.2:c.24486+9C>T were seen together in compound heterozygosity in two fetuses with Arthrogryposis multiplex congenita